The following is an entry in ClinVar:

NM_017617.5(NOTCH1):c.2352_2353+1del

Gene: NOTCH1 (notch receptor 1; minus strand). Cytogenetic location: 9q34.3.
Variant type: Deletion.
Coding change: c.2352_2353+1del on transcript NM_017617.5 (MANE Select); coding-DNA position 2352 through the canonical splice donor site of the intron after coding-DNA position 2353, 3 bases deleted (CGG; older notation c.2352_2353+1delCGG).
Molecular consequence: splice donor variant.
Genome position (GRCh38, 1-based): chr9:136,513,391-136,513,393, CCG deleted on the plus strand (CGG on the coding strand, the reverse complement: NOTCH1 is on the minus strand); deleting any 3 consecutive bases within chr9:136,513,391-136,513,394 gives the same sequence; the c. name uses the placement nearest the transcript's 3' end. VCF-style (leftmost placement, unchanged base first): chr9-136513390-ACCG-A. GRCh37 (hg19) VCF-style: chr9-139407842-ACCG-A.
Identifiers: ClinVar variation 3343273 (VCV003343273.1).
Genomic context (GRCh38, chr9:136,513,390, plus strand): 5'-TGTCTCCAGCTCCCCAGACTCGAGGGCGGCCCTCTGCACTGAGAAACGCGCAGCCCACTC[ACCG>A]CTGAAGCCCTCCCGGCAGGTGCACACGTAGCCACTGGTCATGTCTTTGCAGGTGCCGCCG-3'

ClinVar aggregate classification (germline): Uncertain significance (1 of 4 stars; one submission).

Submission:

GeneDx
Classification: Uncertain significance. Last evaluated: 2023-05-01. Review status: criteria provided, single submitter. Criteria: GeneDx Variant Classification Process June 2021. Collection method: clinical testing. Allele origin: germline. Affected: yes.
Comment: Not observed at significant frequency in large population cohorts (gnomAD); Has not been previously published as pathogenic or benign to our knowledge; In silico analysis is inconclusive as to whether the variant alters gene splicing. In the absence of RNA/functional studies, the actual effect of this sequence change is unknown.